The following is an entry in ClinVar:

NM_000293.3(PHKB):c.1861A>C (p.Ile621Leu)

Gene: PHKB (phosphorylase kinase regulatory subunit beta; plus strand). Cytogenetic location: 16q12.1.
Variant type: single nucleotide variant.
Coding change: c.1861A>C on transcript NM_000293.3 (MANE Select); coding-DNA position 1861, A replaced by C.
Protein change: p.Ile621Leu; replaces isoleucine 621 with leucine.
Molecular consequence: missense variant.
Genome position (GRCh38, 1-based): chr16:47,650,607, A>C. VCF-style: chr16-47650607-A-C. GRCh37 (hg19) VCF-style: chr16-47684518-A-C.
Other names: c.1840A>C, p.Ile614Leu (NM_001031835.3); c.1861A>C, p.Ile621Leu (NM_001363837.1); short protein forms I614L, I621L.
Identifiers: ClinVar variation 2162749 (VCV002162749.1), dbSNP rs143871324, ClinGen allele CA8040994.

ClinVar aggregate classification (germline): Uncertain significance (1 of 4 stars; one submission).

Conditions:
Glycogen storage disease IXb (GSD9B). Also called: PHOSPHORYLASE KINASE DEFICIENCY OF LIVER AND MUSCLE, AUTOSOMAL RECESSIVE; GLYCOGENOSIS OF LIVER AND MUSCLE, AUTOSOMAL RECESSIVE; GSD IXb. Identifiers: Orphanet 79240, MedGen C0543514, MONDO:0009868, OMIM 261750.

Allele frequency attached by ClinVar (database versions not stated): ExAC 0.00001; gnomAD 0.00001; ESP Exome Variant Server 0.00008.
gnomAD v4.1: 2 of 1,607,896 alleles (0.00012%); highest among the groups gnomAD compares: Admixed American, 0.0017%; no homozygotes.

Submission:

Labcorp Genetics (formerly Invitae), Labcorp
Classification: Uncertain significance for Glycogen storage disease IXb. Last evaluated: 2022-07-11. Review status: criteria provided, single submitter. Criteria: Invitae Variant Classification Sherloc (09022015). Collection method: clinical testing. Allele origin: germline.
Comment: This sequence change replaces isoleucine, which is neutral and non-polar, with leucine, which is neutral and non-polar, at codon 621 of the PHKB protein (p.Ile621Leu). This variant is present in population databases (rs143871324, gnomAD 0.0009%). This variant has not been reported in the literature in individuals affected with PHKB-related conditions. Algorithms developed to predict the effect of missense changes on protein structure and function (SIFT, PolyPhen-2, Align-GVGD) all suggest that this variant is likely to be tolerated. In summary, the available evidence is currently insufficient to determine the role of this variant in disease. Therefore, it has been classified as a Variant of Uncertain Significance.